The following is an entry in ClinVar:

NM_022436.3(ABCG5):c.1262G>C (p.Gly421Ala)

Genes: ABCG5 (ATP binding cassette subfamily G member 5; minus strand), DYNC2LI1 (dynein cytoplasmic 2 light intermediate chain 1; plus strand). Cytogenetic location: 2p21.
Variant type: single nucleotide variant.
Coding change: c.1262G>C on transcript NM_022436.3 (MANE Select); coding-DNA position 1262, G replaced by C.
Protein change: p.Gly421Ala; replaces glycine 421 with alanine.
Molecular consequence: missense variant. On other transcripts: intron variant (2).
Genome position (GRCh38, 1-based): chr2:43,823,975, C>G on the plus strand (G>C on the coding strand, the complement: ABCG5 is on the minus strand). VCF-style: chr2-43823975-C-G. GRCh37 (hg19) VCF-style: chr2-44051114-C-G.
Other names: c.*16-3411C>G (NM_001348913.2, NM_001348912.2); short protein forms G421A.
Identifiers: ClinVar variation 2057741 (VCV002057741.4), dbSNP rs1667422660, ClinGen allele CA346664166.

ClinVar aggregate classification (germline): Uncertain significance (1 of 4 stars; one submission).

Conditions:
Sitosterolemia (STSL). Also called: PHYTOSTEROLEMIA. Identifiers: Orphanet 2882, MedGen C0342907, MONDO:0008863.

Allele frequency attached by ClinVar (database versions not stated): gnomAD exomes below 0.00001.
gnomAD v4.1: 1 of 1,614,200 alleles (0.000062%); highest among the groups gnomAD compares: Non-Finnish European, 0.000085%; no homozygotes.

Submission:

Labcorp Genetics (formerly Invitae), Labcorp
Classification: Uncertain significance for Sitosterolemia. Last evaluated: 2024-01-02. Review status: criteria provided, single submitter. Criteria: Invitae Variant Classification Sherloc (09022015). Collection method: clinical testing. Allele origin: germline.
Comment: This sequence change replaces glycine, which is neutral and non-polar, with alanine, which is neutral and non-polar, at codon 421 of the ABCG5 protein (p.Gly421Ala). This variant is not present in population databases (gnomAD no frequency). This variant has not been reported in the literature in individuals affected with ABCG5-related conditions. ClinVar contains an entry for this variant (Variation ID: 2057741). An algorithm developed to predict the effect of missense changes on protein structure and function (PolyPhen-2) suggests that this variant is likely to be disruptive. In summary, the available evidence is currently insufficient to determine the role of this variant in disease. Therefore, it has been classified as a Variant of Uncertain Significance.